The following is an entry in ClinVar:

NC_000012.11:g.(?_109991510)_(109994951_?)del

Gene: MMAB (metabolism of cobalamin associated B; minus strand). Cytogenetic location: 12q24.11.
Variant type: Deletion.
Identifiers: ClinVar variation 2427142 (VCV002427142.4).

ClinVar aggregate classification (germline): Pathogenic (1 of 4 stars; one submission).

Conditions:
Methylmalonic aciduria, cblB type (MACB). Also called: Methylmalonic acidemia cblB type; METHYLMALONIC ACIDURIA, VITAMIN B12-RESPONSIVE, DUE TO DEFECT IN SYNTHESIS OF ADENOSYLCOBALAMIN, cblB TYPE; Vitamin B12-responsive methylmalonic acidemia type cblB. Identifiers: Orphanet 28, Orphanet 79311, MedGen C1855102, MONDO:0009614, OMIM 251110.

Submission:

Labcorp Genetics (formerly Invitae), Labcorp
Classification: Pathogenic for Methylmalonic aciduria, cblB type. Last evaluated: 2022-09-26. Review status: criteria provided, single submitter. Criteria: Invitae Variant Classification Sherloc (09022015). Collection method: clinical testing. Allele origin: germline.
Comment: For these reasons, this variant has been classified as Pathogenic. This variant disrupts a region of the MMAB protein in which other variant(s) (p.Gln234*) have been determined to be pathogenic (PMID: 16410054). This suggests that this is a clinically significant region of the protein, and that variants that disrupt it are likely to be disease-causing. This variant has not been reported in the literature in individuals affected with MMAB-related conditions. This variant is a gross deletion of the genomic region encompassing exon(s) 9 of the MMAB gene, which includes the termination codon. This deletion extends beyond the assayed region for this gene and therefore may encompass additional genes. While this deletion is not anticipated to lead to nonsense mediated decay, it is expected to alter mRNA translation or result in a truncated protein product.

Literature cited by the submitters: PubMed 16410054.